The following is an entry in ClinVar:

ClinVar aggregate classification (germline): Likely benign (0 of 4 stars; one submission).

Conditions:
PIWIL1-related disorder. Also called: PIWIL1-related condition.

Allele frequency attached by ClinVar (database versions not stated): 1000 Genomes Project 0.00639; 1000 Genomes Project 30x 0.00703; gnomAD 0.00982; TOPMed 0.01134; ESP Exome Variant Server 0.01146.
gnomAD v4.1: 2,930 of 1,613,930 alleles (0.18%); highest among the groups gnomAD compares: African/African-American, 3.5%; 54 homozygotes.

Submissions (2):

PreventionGenetics, part of Exact Sciences
Classification: Likely benign for PIWIL1-related condition. Last evaluated: 2019-02-21. Review status: no assertion criteria provided. Collection method: clinical testing. Allele origin: germline.
Comment: This variant is classified as likely benign based on ACMG/AMP sequence variant interpretation guidelines (Richards et al. 2015 PMID: 25741868, with internal and published modifications).

Dr. Peter K. Rogan Lab, Western University
No classification provided (evidence only). Condition: Gastric cancer. Review status: no classification provided. Collection method: in vitro. Allele origin: not applicable. Functional consequence: retained intron. Not counted in ClinVar's aggregate classification.

NM_004764.5(PIWIL1):c.94T>G (p.Tyr32Asp)

Gene: PIWIL1 (piwi like RNA-mediated gene silencing 1; plus strand). Cytogenetic location: 12q24.33.
Variant type: single nucleotide variant.
Coding change: c.94T>G on transcript NM_004764.5 (MANE Select); coding-DNA position 94, T replaced by G.
Protein change: p.Tyr32Asp; replaces tyrosine 32 with aspartic acid.
Molecular consequence: missense variant.
Genome position (GRCh38, 1-based): chr12:130,343,005, T>G. VCF-style: chr12-130343005-T-G. GRCh37 (hg19) VCF-style: chr12-130827550-T-G.
Other names: NC_000012.11:g.130827550T>G; c.94T>G, p.Tyr32Asp (NM_001190971.2); short protein forms Y32D.
Identifiers: ClinVar variation 3056689 (VCV003056689.3), dbSNP rs75876550, ClinGen allele CA6876895.